The following is an entry in ClinVar:

NM_001130438.3(SPTAN1):c.862G>C (p.Ala288Pro)

Gene: SPTAN1 (spectrin alpha, non-erythrocytic 1; plus strand). Cytogenetic location: 9q34.11.
Variant type: single nucleotide variant.
Coding change: c.862G>C on transcript NM_001130438.3 (MANE Select); coding-DNA position 862, G replaced by C.
Protein change: p.Ala288Pro; replaces alanine 288 with proline.
Molecular consequence: missense variant.
Genome position (GRCh38, 1-based): chr9:128,577,205, G>C. VCF-style: chr9-128577205-G-C. GRCh37 (hg19) VCF-style: chr9-131339484-G-C.
Other names: p.A288P:GCA>CCA; c.862G>C, p.Ala288Pro (NM_001195532.2, NM_001363759.2, NM_001363765.2 and 1 more transcripts); short protein forms A288P.
Identifiers: ClinVar variation 207259 (VCV000207259.18), dbSNP rs796053298, ClinGen allele CA318558.

ClinVar aggregate classification (germline): Conflicting classifications of pathogenicity. Review status: criteria provided, conflicting classifications (1 of 4 stars). 4 submissions from 4 submitters: Uncertain significance (2); Benign (1); Likely benign (1). Last evaluated 2025-09-16.

Conditions:
Developmental and epileptic encephalopathy, 5 (DEE5). Identifiers: Orphanet 3451, MedGen C3150731, MONDO:0013277, OMIM 613477.
Early-infantile DEE. Also called: Ohtahara syndrome; Early infantile epileptic encephalopathy; Early infantile epileptic encephalopathy with suppression bursts. Identifiers: Orphanet 1934, MedGen C0393706, MONDO:0800491.

Allele frequency attached by ClinVar (database versions not stated): gnomAD exomes 0.00001; TOPMed 0.00001.
gnomAD v4.1: 12 of 1,614,222 alleles (0.00074%); highest among the groups gnomAD compares: Non-Finnish European, 0.001%; no homozygotes.

Submissions (4):

Labcorp Genetics (formerly Invitae), Labcorp
Classification: Benign for Early-infantile DEE. Last evaluated: 2025-09-16. Review status: criteria provided, single submitter. Criteria: Invitae Variant Classification Sherloc (09022015). Collection method: clinical testing. Allele origin: germline.

Genome-Nilou Lab
Classification: Uncertain significance for Developmental and epileptic encephalopathy, 5. Last evaluated: 2021-07-15. Review status: criteria provided, single submitter. Criteria: ACMG Guidelines, 2015. Collection method: clinical testing. Allele origin: germline. Affected: no.

Genetic Services Laboratory, University of Chicago
Classification: Uncertain significance. Last evaluated: 2014-08-28. Review status: criteria provided, single submitter. Criteria: ACMG Guidelines, 2015. Collection method: clinical testing. Allele origin: germline.

GeneDx
Classification: Likely benign. Last evaluated: 2012-08-21. Review status: criteria provided, single submitter. Criteria: GeneDx Variant Classification (06012015). Collection method: clinical testing. Allele origin: germline. Affected: yes.
Comment: This variant is considered likely benign or benign based on one or more of the following criteria: it is a conservative change, it occurs at a poorly conserved position in the protein, it is predicted to be benign by multiple in silico algorithms, and/or has population frequency not consistent with disease.